The following is an entry in ClinVar:

NM_006269.2(RP1):c.2615G>A (p.Arg872His)

Gene: RP1 (RP1 axonemal microtubule associated; plus strand). Cytogenetic location: 8q12.1.
Variant type: single nucleotide variant.
Coding change: c.2615G>A on transcript NM_006269.2 (MANE Select); coding-DNA position 2615, G replaced by A.
Protein change: p.Arg872His; replaces arginine 872 with histidine.
Molecular consequence: missense variant.
Genome position (GRCh38, 1-based): chr8:54,626,497, G>A. VCF-style: chr8-54626497-G-A. GRCh37 (hg19) VCF-style: chr8-55539057-G-A.
Other names: short protein forms R872H.
Identifiers: ClinVar variation 167602 (VCV000167602.27), dbSNP rs444772, ClinGen allele CA180400.

ClinVar aggregate classification (germline): Benign. Review status: criteria provided, multiple submitters, no conflicts (2 of 4 stars). 8 submissions from 8 submitters: Benign (6). 2 of the submissions do not count toward it. Last evaluated 2026-02-03.

Conditions:
Retinal dystrophy. Also called: Inherited retinal dystrophy. Identifiers: Orphanet 71862, MedGen C0854723, MeSH D058499, MONDO:0019118, HP:0000556.
Retinitis pigmentosa (RP). Identifiers: Orphanet 791, MedGen C0035334, MeSH D012174, MONDO:0019200, OMIM 268000. Inheritance: Autosomal dominant, autosomal recessive and X linked inheritance.
Retinitis pigmentosa 1 (RP1). Identifiers: Orphanet 791, MedGen C0220701, MONDO:0008377, OMIM 180100.

Allele frequency attached by ClinVar (database versions not stated): gnomAD 0.24935 and 0.24558; 1000 Genomes Project 0.27216; gnomAD exomes 0.27605; ExAC 0.27129; TOPMed 0.25650; ESP Exome Variant Server 0.23660; 1000 Genomes Project 30x 0.26765.
gnomAD v4.1: 434,480 of 1,613,004 alleles (27%); highest among the groups gnomAD compares: East Asian, 41%; 60,244 homozygotes.

Submissions (8):

Labcorp Genetics (formerly Invitae), Labcorp
Classification: Benign. Last evaluated: 2026-02-03. Review status: criteria provided, single submitter. Criteria: Invitae Variant Classification Sherloc (09022015). Collection method: clinical testing. Allele origin: germline.

Dept Of Ophthalmology, Nagoya University
Classification: Benign for Retinal dystrophy. Last evaluated: 2023-10-01. Review status: criteria provided, single submitter. Criteria: Submitter's publication. Collection method: research. Allele origin: germline. Affected: yes.

Genome-Nilou Lab
Classification: Benign for Retinitis pigmentosa 1. Last evaluated: 2021-11-07. Review status: criteria provided, single submitter. Criteria: ACMG Guidelines, 2015. Collection method: clinical testing. Allele origin: germline. Affected: no.

Illumina Laboratory Services, Illumina
Classification: Benign for Retinitis pigmentosa. Last evaluated: 2018-01-13. Review status: criteria provided, single submitter. Criteria: ICSL Variant Classification Criteria 13 December 2019. Collection method: clinical testing. Allele origin: germline.
Comment: This variant was observed in the ICSL laboratory as part of a predisposition screen in an ostensibly healthy population. It had not been previously curated by ICSL or reported in the Human Gene Mutation Database (HGMD: prior to June 1st, 2018), and was therefore a candidate for classification through an automated scoring system. Utilizing variant allele frequency, disease prevalence and penetrance estimates, and inheritance mode, an automated score was calculated to assess if this variant is too frequent to cause the disease. Based on the score and internal cut-off values, a variant classified as benign is not then subjected to further curation. The score for this variant resulted in a classification of benign for this disease.

Eurofins Ntd Llc (ga)
Classification: Benign. Last evaluated: 2014-02-21. Review status: criteria provided, single submitter. Criteria: EGL Classification Definitions 2015. Collection method: clinical testing. Allele origin: germline. Observed: 3 variant alleles, 3 heterozygotes.

Breakthrough Genomics
Classification: Benign. Review status: criteria provided, single submitter. Criteria: ACMG Guidelines, 2015. Collection method: not provided. Allele origin: germline. Inheritance: Autosomal dominant inheritance. Affected: yes.

Diagnostic Laboratory, Department of Genetics, University Medical Center Groningen
Classification: Benign. Review status: no assertion criteria provided. Collection method: clinical testing. Allele origin: germline. Affected: yes. Study: VKGL Data-share Consensus. Not counted in ClinVar's aggregate classification.

Joint Genome Diagnostic Labs from Nijmegen and Maastricht, Radboudumc and MUMC+
Classification: Benign. Review status: no assertion criteria provided. Collection method: clinical testing. Allele origin: germline. Affected: yes. Study: VKGL Data-share Consensus. Not counted in ClinVar's aggregate classification.